The following is an entry in ClinVar:

ClinVar aggregate classification (germline): Uncertain significance. Review status: criteria provided, multiple submitters, no conflicts (2 of 4 stars). 2 submissions from 2 submitters: Uncertain significance (2). Last evaluated 2024-06-09.

Conditions:
Arrhythmogenic cardiomyopathy with wooly hair and keratoderma. Also called: Dilated cardiomyopathy with woolly hair and keratoderma; PALMOPLANTAR KERATODERMA WITH LEFT VENTRICULAR CARDIOMYOPATHY AND WOOLLY HAIR; Carvajal syndrome; Arrhythmogenic cardiomyopathy with woolly hair and keratoderma. Identifiers: Orphanet 65282, MedGen C1854063, MONDO:0011581, OMIM 605676.
Arrhythmogenic right ventricular dysplasia 8 (ARVD8). Also called: Arrhythmogenic Right Ventricular Dysplasia/Cardiomyopathy 8; ARRHYTHMOGENIC RIGHT VENTRICULAR DYSPLASIA, FAMILIAL, 8; ARRHYTHMOGENIC RIGHT VENTRICULAR CARDIOMYOPATHY 8. Identifiers: MedGen C1843896, MONDO:0011831, OMIM 607450.

Allele frequency attached by ClinVar (database versions not stated): TOPMed below 0.00001.

Submissions (2):

Labcorp Genetics (formerly Invitae), Labcorp
Classification: Uncertain significance for Arrhythmogenic cardiomyopathy with wooly hair and keratoderma; Arrhythmogenic right ventricular dysplasia 8. Last evaluated: 2024-06-09. Review status: criteria provided, single submitter. Criteria: Invitae Variant Classification Sherloc (09022015). Collection method: clinical testing. Allele origin: germline.
Comment: This sequence change replaces threonine, which is neutral and polar, with alanine, which is neutral and non-polar, at codon 2767 of the DSP protein (p.Thr2767Ala). This variant is not present in population databases (gnomAD no frequency). This variant has not been reported in the literature in individuals affected with DSP-related conditions. ClinVar contains an entry for this variant (Variation ID: 1404143). An algorithm developed to predict the effect of missense changes on protein structure and function (PolyPhen-2) suggests that this variant is likely to be tolerated. In summary, the available evidence is currently insufficient to determine the role of this variant in disease. Therefore, it has been classified as a Variant of Uncertain Significance.

All of Us Research Program, National Institutes of Health
Classification: Uncertain significance for Arrhythmogenic cardiomyopathy with wooly hair and keratoderma. Last evaluated: 2023-08-15. Review status: criteria provided, single submitter. Criteria: ACMG Guidelines, 2015. Collection method: clinical testing. Allele origin: germline. Inheritance: Autosomal dominant inheritance. Observed: 1 variant allele, 1 heterozygote.
Comment: This missense variant replaces threonine with alanine at codon 2767 of the DSP protein. Computational prediction suggests that this variant may not impact protein structure and function (internally defined REVEL score threshold <= 0.5, PMID: 27666373). To our knowledge, functional studies have not been reported for this variant. This variant has not been reported in individuals affected with DSP-related disorders in the literature. This variant has not been identified in the general population by the Genome Aggregation Database (gnomAD). The available evidence is insufficient to determine the role of this variant in disease conclusively. Therefore, this variant is classified as a Variant of Uncertain Significance.

This study involves interpretation of variants in research participants for the purpose of population health screening. Participant phenotype was not available at the time of variant classification. Additional details can be found in publication PMID: 35346344, PMCID: PMC8962531

NM_004415.4(DSP):c.8299A>G (p.Thr2767Ala)

Gene: DSP (desmoplakin; plus strand). Cytogenetic location: 6p24.3.
Variant type: single nucleotide variant.
Coding change: c.8299A>G on transcript NM_004415.4 (MANE Select); coding-DNA position 8299, A replaced by G.
Protein change: p.Thr2767Ala; replaces threonine 2767 with alanine.
Molecular consequence: missense variant.
Genome position (GRCh38, 1-based): chr6:7,585,561, A>G. VCF-style: chr6-7585561-A-G. GRCh37 (hg19) VCF-style: chr6-7585794-A-G.
Other names: c.6502A>G, p.Thr2168Ala (NM_001008844.3); c.6970A>G, p.Thr2324Ala (NM_001319034.2); short protein forms T2168A, T2324A, T2767A.
Identifiers: ClinVar variation 1404143 (VCV001404143.10), dbSNP rs1304137526, ClinGen allele CA362694862.